The following is an entry in ClinVar:

ClinVar aggregate classification (germline): Uncertain significance (1 of 4 stars; one submission).

Conditions:
Familial adenomatous polyposis 2. Also called: FAP type 2; MUTYH Polyposis; COLORECTAL ADENOMATOUS POLYPOSIS, AUTOSOMAL RECESSIVE; ADENOMAS, MULTIPLE COLORECTAL, AUTOSOMAL RECESSIVE; MUTYH-associated polyposis; MUTYH-related attenuated familial adenomatous polyposis. Identifiers: Orphanet 220460, Orphanet 247798, MedGen C3272841, MONDO:0012041, OMIM 608456.

Submission:

Labcorp Genetics (formerly Invitae), Labcorp
Classification: Uncertain significance for Familial adenomatous polyposis 2. Last evaluated: 2022-10-23. Review status: criteria provided, single submitter. Criteria: Invitae Variant Classification Sherloc (09022015). Collection method: clinical testing. Allele origin: germline.
Comment: This variant results in a copy number gain of the genomic region encompassing exon(s) 1 of the MUTYH gene. This region includes the initiator codon of the gene. This copy number gain extends beyond the assayed region for this gene and therefore may encompass additional genes. As the precise location of this event is unknown, it may be in tandem or it may be located elsewhere in the genome. This variant has not been reported in the literature in individuals affected with MUTYH-related conditions. Experimental studies and prediction algorithms are not available or were not evaluated, and the functional significance of this variant is currently unknown. In summary, the available evidence is currently insufficient to determine the role of this variant in disease. Therefore, it has been classified as a Variant of Uncertain Significance.

NC_000001.11:g.(?_45340209)_(45343656_?)dup

Genes: MUTYH (mutY DNA glycosylase; minus strand), TOE1 (target of EGR1, exonuclease; plus strand). Cytogenetic location: 1p34.1.
Variant type: Duplication.
Identifiers: ClinVar variation 832636 (VCV000832636.5).